The following is an entry in ClinVar:

ClinVar aggregate classification (germline): Uncertain significance. Review status: criteria provided, multiple submitters, no conflicts (2 of 4 stars). 2 submissions from 2 submitters: Uncertain significance (2). Last evaluated 2025-02-21.

Conditions:
Inborn genetic diseases. Identifiers: MedGen C0950123, MeSH D030342.

Allele frequency attached by ClinVar (database versions not stated): ExAC 0.00002; gnomAD exomes 0.00003; gnomAD 0.00004 and 0.00005; TOPMed 0.00005.
gnomAD v4.1: 43 of 1,614,094 alleles (0.0027%); highest among the groups gnomAD compares: Admixed American, 0.01%; no homozygotes.

Submissions (2):

Labcorp Genetics (formerly Invitae), Labcorp
Classification: Uncertain significance. Last evaluated: 2025-02-21. Review status: criteria provided, single submitter. Criteria: Invitae Variant Classification Sherloc (09022015). Collection method: clinical testing. Allele origin: germline.
Comment: This sequence change replaces glutamine, which is neutral and polar, with lysine, which is basic and polar, at codon 1101 of the CTR9 protein (p.Gln1101Lys). This variant is present in population databases (rs760503977, gnomAD 0.007%). This variant has not been reported in the literature in individuals affected with CTR9-related conditions. ClinVar contains an entry for this variant (Variation ID: 1036368). An algorithm developed to predict the effect of missense changes on protein structure and function (PolyPhen-2) suggests that this variant is likely to be tolerated. In summary, the available evidence is currently insufficient to determine the role of this variant in disease. Therefore, it has been classified as a Variant of Uncertain Significance.

Ambry Genetics
Classification: Uncertain significance for Inborn genetic diseases. Last evaluated: 2023-06-30. Review status: criteria provided, single submitter. Criteria: Ambry Variant Classification Scheme 2023. Collection method: clinical testing. Allele origin: germline.

NM_014633.5(CTR9):c.3301C>A (p.Gln1101Lys)

Gene: CTR9 (CTR9 component of Paf1/RNA polymerase II complex; plus strand). Cytogenetic location: 11p15.4.
Variant type: single nucleotide variant.
Coding change: c.3301C>A on transcript NM_014633.5 (MANE Select); coding-DNA position 3301, C replaced by A.
Protein change: p.Gln1101Lys; replaces glutamine 1101 with lysine.
Molecular consequence: missense variant.
Genome position (GRCh38, 1-based): chr11:10,778,884, C>A. VCF-style: chr11-10778884-C-A. GRCh37 (hg19) VCF-style: chr11-10800431-C-A.
Other names: c.3229C>A, p.Gln1077Lys (NM_001346279.2); c.3301C>A (NM_014633.3); short protein forms Q1077K, Q1101K.
Identifiers: ClinVar variation 1036368 (VCV001036368.10), dbSNP rs760503977, ClinGen allele CA5885559.